The following is an entry in ClinVar:

ClinVar aggregate classification (germline): Uncertain significance (1 of 4 stars; one submission).

Submission:

GeneDx
Classification: Uncertain significance. Last evaluated: 2025-04-24. Review status: criteria provided, single submitter. Criteria: GeneDx Variant Classification Process June 2021. Collection method: clinical testing. Allele origin: germline. Affected: yes.
Comment: Not observed at significant frequency in large population cohorts (gnomAD); In silico analysis supports that this missense variant has a deleterious effect on protein structure/function; Has not been previously published as pathogenic or benign to our knowledge

NM_001161352.2(KCNMA1):c.253C>G (p.Arg85Gly)

Gene: KCNMA1 (potassium calcium-activated channel subfamily M alpha 1; minus strand). Cytogenetic location: 10q22.3.
Variant type: single nucleotide variant.
Coding change: c.253C>G on transcript NM_001161352.2 (MANE Select); coding-DNA position 253, C replaced by G.
Protein change: p.Arg85Gly; replaces arginine 85 with glycine.
Molecular consequence: missense variant.
Genome position (GRCh38, 1-based): chr10:77,637,390, G>C on the plus strand (C>G on the coding strand, the complement: KCNMA1 is on the minus strand). VCF-style: chr10-77637390-G-C. GRCh37 (hg19) VCF-style: chr10-79397148-G-C.
Other names: c.253C>G, p.Arg85Gly (NM_001410940.1, NM_001437422.1, NM_001437423.1 and 15 more transcripts); short protein forms R85G.
Identifiers: ClinVar variation 4527134 (VCV004527134.1).